The following is an entry in ClinVar:

NM_003076.5(SMARCD1):c.299G>T (p.Arg100Leu)

Gene: SMARCD1 (SWI/SNF related BAF chromatin remodeling complex subunit D1; plus strand). Cytogenetic location: 12q13.12.
Variant type: single nucleotide variant.
Coding change: c.299G>T on transcript NM_003076.5 (MANE Select); coding-DNA position 299, G replaced by T.
Protein change: p.Arg100Leu; replaces arginine 100 with leucine.
Molecular consequence: missense variant.
Genome position (GRCh38, 1-based): chr12:50,086,282, G>T. VCF-style: chr12-50086282-G-T. GRCh37 (hg19) VCF-style: chr12-50480065-G-T.
Other names: c.299G>T, p.Arg100Leu (NM_139071.3); short protein forms R100L.
Identifiers: ClinVar variation 2642975 (VCV002642975.24), dbSNP rs2539485331, ClinGen allele CA384786584.
Genomic context (GRCh38, chr12:50,086,282, plus strand): 5'-GCTATGGGGGGAACCCTTCAGTCCGACCTGGCCTGGCCCAGTCAGGGATGGATCAGTCCC[G>T]CAAGAGACCTGCCCCTCAGCAGATCCAGCAGGTCCAGCAGCAGGCGGTCCAAAATCGAAA-3'
Protein context (NP_003067.3, residues 90-110): GLAQSGMDQS[Arg100Leu]KRPAPQQIQQ

ClinVar aggregate classification (germline): Uncertain significance (1 of 4 stars; one submission).

Submission:

CeGaT Center for Human Genetics Tuebingen
Classification: Uncertain significance. Last evaluated: 2023-02-01. Review status: criteria provided, single submitter. Criteria: CeGaT Center For Human Genetics Tuebingen Variant Classification Criteria Version 2. Collection method: clinical testing. Allele origin: germline. Affected: yes. Observed: 1 variant allele.
Comment: SMARCD1: PM2, PP2